The following is an entry in ClinVar:

ClinVar aggregate classification (germline): Uncertain significance (1 of 4 stars; one submission).

Conditions:
Brachyolmia-amelogenesis imperfecta syndrome. Also called: Tooth agenesis, selective, 6; Dental anomalies and short stature; PLATYSPONDYLY WITH AMELOGENESIS IMPERFECTA. Identifiers: Orphanet 2899, MedGen C1832594, MONDO:0011018, OMIM 601216. Disease mechanism: loss of function.

Submission:

Labcorp Genetics (formerly Invitae), Labcorp
Classification: Uncertain significance for Brachyolmia-amelogenesis imperfecta syndrome. Last evaluated: 2025-07-06. Review status: criteria provided, single submitter. Criteria: Invitae Variant Classification Sherloc (09022015). Collection method: clinical testing. Allele origin: germline.
Comment: This sequence change replaces methionine, which is neutral and non-polar, with isoleucine, which is neutral and non-polar, at codon 118 of the LTBP3 protein (p.Met118Ile). This variant is present in population databases (no rsID available, gnomAD 0.003%). This variant has not been reported in the literature in individuals affected with LTBP3-related conditions. An algorithm developed to predict the effect of missense changes on protein structure and function (PolyPhen-2) suggests that this variant is likely to be tolerated. In summary, the available evidence is currently insufficient to determine the role of this variant in disease. Therefore, it has been classified as a Variant of Uncertain Significance.

NM_001130144.3(LTBP3):c.354G>A (p.Met118Ile)

Gene: LTBP3 (latent transforming growth factor beta binding protein 3; minus strand). Cytogenetic location: 11q13.1.
Variant type: single nucleotide variant.
Coding change: c.354G>A on transcript NM_001130144.3 (MANE Select); coding-DNA position 354, G replaced by A.
Protein change: p.Met118Ile; replaces methionine 118 with isoleucine.
Molecular consequence: missense variant. On other transcripts: initiator codon variant (1).
Genome position (GRCh38, 1-based): chr11:65,554,358, C>T on the plus strand (G>A on the coding strand, the complement: LTBP3 is on the minus strand). VCF-style: chr11-65554358-C-T. GRCh37 (hg19) VCF-style: chr11-65321829-C-T.
Other names: c.3G>A, p.Met1Ile (NM_001164266.1); c.354G>A, p.Met118Ile (NM_021070.4); short protein forms M118I, M1I.
Identifiers: ClinVar variation 4702074 (VCV004702074.1).
Genomic context (GRCh38, chr11:65,554,358, plus strand): 5'-GCGCCCAGTGAAGTCCGGGGGACACAGGCACTGGTTTCGCGAGGAGCACTGGCCGCCATT[C>T]ATGCAGGGGAGAGGGCACACCACTGGGGAGAAGAGTGGGGTCAGGCCCTCACCCACATCC-3'
Protein context (NP_001123616.1, residues 108-128): FRVVVCPLPC[Met118Ile]NGGQCSSRNQ